The following is an entry in ClinVar:

ClinVar aggregate classification (germline): Uncertain significance (1 of 4 stars; one submission).

Conditions:
Brachyolmia-amelogenesis imperfecta syndrome. Also called: Tooth agenesis, selective, 6; Dental anomalies and short stature; PLATYSPONDYLY WITH AMELOGENESIS IMPERFECTA. Identifiers: Orphanet 2899, MedGen C1832594, MONDO:0011018, OMIM 601216. Disease mechanism: loss of function.

Submission:

Labcorp Genetics (formerly Invitae), Labcorp
Classification: Uncertain significance for Brachyolmia-amelogenesis imperfecta syndrome. Last evaluated: 2023-02-18. Review status: criteria provided, single submitter. Criteria: Invitae Variant Classification Sherloc (09022015). Collection method: clinical testing. Allele origin: germline.
Comment: This sequence change replaces alanine, which is neutral and non-polar, with valine, which is neutral and non-polar, at codon 7 of the LTBP3 protein (p.Ala7Val). This variant is not present in population databases (gnomAD no frequency). In summary, the available evidence is currently insufficient to determine the role of this variant in disease. Therefore, it has been classified as a Variant of Uncertain Significance. Algorithms developed to predict the effect of missense changes on protein structure and function output the following: SIFT: "Not Available"; PolyPhen-2: "Not Available"; Align-GVGD: "Not Available". The valine amino acid residue is found in multiple mammalian species, which suggests that this missense change does not adversely affect protein function. This variant has not been reported in the literature in individuals affected with LTBP3-related conditions.

NM_001130144.3(LTBP3):c.20C>T (p.Ala7Val)

Gene: LTBP3 (latent transforming growth factor beta binding protein 3; minus strand). Cytogenetic location: 11q13.1.
Variant type: single nucleotide variant.
Coding change: c.20C>T on transcript NM_001130144.3 (MANE Select); coding-DNA position 20, C replaced by T.
Protein change: p.Ala7Val; replaces alanine 7 with valine.
Molecular consequence: missense variant. On other transcripts: 5 prime UTR variant (1).
Genome position (GRCh38, 1-based): chr11:65,557,940, G>A on the plus strand (C>T on the coding strand, the complement: LTBP3 is on the minus strand). VCF-style: chr11-65557940-G-A. GRCh37 (hg19) VCF-style: chr11-65325411-G-A.
Other names: c.-328C>T (NM_001164266.1); c.20C>T, p.Ala7Val (NM_021070.4); short protein forms A7V.
Identifiers: ClinVar variation 2802048 (VCV002802048.3), dbSNP rs2496187932, ClinGen allele CA381278847.